The following is an entry in ClinVar:

NM_001039141.3(TRIOBP):c.2664A>G (p.Gln888=)

Gene: TRIOBP (TRIO and F-actin binding protein; plus strand). Cytogenetic location: 22q13.1.
Variant type: single nucleotide variant.
Coding change: c.2664A>G on transcript NM_001039141.3 (MANE Select); coding-DNA position 2664, A replaced by G.
Protein change: p.Gln888=; no amino-acid change (glutamine 888 retained).
Molecular consequence: synonymous variant.
Genome position (GRCh38, 1-based): chr22:37,725,220, A>G. VCF-style: chr22-37725220-A-G. GRCh37 (hg19) VCF-style: chr22-38121227-A-G.
Other names: p.Gln888=.
Identifiers: ClinVar variation 1293730 (VCV001293730.40), dbSNP rs149390662, ClinGen allele CA10223934.

ClinVar aggregate classification (germline): Benign/Likely benign. Review status: criteria provided, multiple submitters, no conflicts (2 of 4 stars). 6 submissions from 6 submitters: Benign (4); Likely benign (1). 1 of the submissions does not count toward it. Last evaluated 2026-07-01.

Conditions:
TRIOBP-related disorder. Also called: TRIOBP-related condition.

Allele frequency attached by ClinVar (database versions not stated): 1000 Genomes Project 30x 0.00406; 1000 Genomes Project 0.00419; TOPMed 0.00538; gnomAD 0.00831 and 0.00860; ESP Exome Variant Server 0.00866; gnomAD exomes 0.00943 and 0.00948; ExAC 0.01040.
gnomAD v4.1: 14,934 of 1,613,996 alleles (0.93%); highest among the groups gnomAD compares: Non-Finnish European, 1%; 111 homozygotes.

Submissions (13):

CeGaT Center for Human Genetics Tuebingen
Classification: Likely benign. Last evaluated: 2026-07-01. Review status: criteria provided, single submitter. Criteria: CeGaT Center For Human Genetics Tuebingen Variant Classification Criteria Version 2. Collection method: clinical testing. Allele origin: germline. Affected: yes. Observed: 11 variant alleles.
Comment: TRIOBP: BS2

Labcorp Genetics (formerly Invitae), Labcorp
Classification: Benign. Last evaluated: 2025-12-19. Review status: criteria provided, single submitter. Criteria: Invitae Variant Classification Sherloc (09022015). Collection method: clinical testing. Allele origin: germline.

Mayo Clinic Laboratories, Mayo Clinic
Classification: Benign. Last evaluated: 2021-09-20. Review status: criteria provided, single submitter. Criteria: ACMG Guidelines, 2015. Collection method: clinical testing. Allele origin: germline. Observed: 4 variant alleles.
Comment: BA1, BS2, BP4, BP7

GeneDx
Classification: Benign. Last evaluated: 2019-07-26. Review status: criteria provided, single submitter. Criteria: GeneDx Variant Classification Process June 2021. Collection method: clinical testing. Allele origin: germline. Affected: yes.

Breakthrough Genomics
Classification: Benign. Review status: criteria provided, single submitter. Criteria: ACMG Guidelines, 2015. Collection method: not provided. Allele origin: germline. Inheritance: Autosomal recessive inheritance. Affected: yes.

PreventionGenetics, part of Exact Sciences
Classification: Benign for TRIOBP-related condition. Last evaluated: 2019-12-05. Review status: no assertion criteria provided. Collection method: clinical testing. Allele origin: germline. Not counted in ClinVar's aggregate classification.
Comment: This variant is classified as benign based on ACMG/AMP sequence variant interpretation guidelines (Richards et al. 2015 PMID: 25741868, with internal and published modifications).

Dr. Peter K. Rogan Lab, Western University
No classification provided (evidence only). Condition: Clear cell carcinoma of kidney. Review status: no classification provided. Collection method: in vitro. Allele origin: not applicable. Functional consequence: retained intron. Not counted in ClinVar's aggregate classification.

Dr. Peter K. Rogan Lab, Western University
No classification provided (evidence only). Condition: Lung cancer. Review status: no classification provided. Collection method: in vitro. Allele origin: not applicable. Functional consequence: retained intron. Not counted in ClinVar's aggregate classification.

Dr. Peter K. Rogan Lab, Western University
No classification provided (evidence only). Condition: Melanoma. Review status: no classification provided. Collection method: in vitro. Allele origin: not applicable. Functional consequence: retained intron. Not counted in ClinVar's aggregate classification.

Dr. Peter K. Rogan Lab, Western University
No classification provided (evidence only). Condition: Sarcoma. Review status: no classification provided. Collection method: in vitro. Allele origin: not applicable. Functional consequence: retained intron. Not counted in ClinVar's aggregate classification.

Dr. Peter K. Rogan Lab, Western University
No classification provided (evidence only). Condition: Gastric cancer. Review status: no classification provided. Collection method: in vitro. Allele origin: not applicable. Functional consequence: retained intron. Not counted in ClinVar's aggregate classification.

Dr. Peter K. Rogan Lab, Western University
No classification provided (evidence only). Condition: Adrenocortical carcinoma, hereditary. Review status: no classification provided. Collection method: in vitro. Allele origin: not applicable. Functional consequence: retained intron. Not counted in ClinVar's aggregate classification.

Dr. Peter K. Rogan Lab, Western University
No classification provided (evidence only). Condition: Malignant tumor of esophagus. Review status: no classification provided. Collection method: in vitro. Allele origin: not applicable. Functional consequence: retained intron. Not counted in ClinVar's aggregate classification.